The following is an entry in ClinVar:

ClinVar aggregate classification (germline): Uncertain significance. Review status: criteria provided, multiple submitters, no conflicts (2 of 4 stars). 2 submissions from 2 submitters: Uncertain significance (2). Last evaluated 2025-08-01.

Conditions:
Inborn genetic diseases. Identifiers: MedGen C0950123, MeSH D030342.

Allele frequency attached by ClinVar (database versions not stated): gnomAD exomes 0.00001 and 0.00002; ExAC 0.00003; gnomAD 0.00006 and 0.00007; TOPMed 0.00008; ESP Exome Variant Server 0.00015.
gnomAD v4.1: 16 of 1,612,434 alleles (0.00099%); highest among the groups gnomAD compares: African/African-American, 0.021%; no homozygotes.

Submissions (2):

Ambry Genetics
Classification: Uncertain significance for Inborn genetic diseases. Last evaluated: 2025-08-01. Review status: criteria provided, single submitter. Criteria: Ambry Variant Classification Scheme 2023. Collection method: clinical testing. Allele origin: germline.

Labcorp Genetics (formerly Invitae), Labcorp
Classification: Uncertain significance. Last evaluated: 2020-11-18. Review status: criteria provided, single submitter. Criteria: Invitae Variant Classification Sherloc (09022015). Collection method: clinical testing. Allele origin: germline.
Comment: This variant is present in population databases (rs137868834, ExAC 0.04%). This sequence change replaces glutamic acid with glycine at codon 156 of the ZNF335 protein (p.Glu156Gly). The glutamic acid residue is highly conserved and there is a moderate physicochemical difference between glutamic acid and glycine. This variant has not been reported in the literature in individuals with ZNF335-related conditions. Algorithms developed to predict the effect of missense changes on protein structure and function (SIFT, PolyPhen-2, Align-GVGD) all suggest that this variant is likely to be disruptive, but these predictions have not been confirmed by published functional studies and their clinical significance is uncertain. In summary, the available evidence is currently insufficient to determine the role of this variant in disease. Therefore, it has been classified as a Variant of Uncertain Significance.

NM_022095.4(ZNF335):c.467A>G (p.Glu156Gly)

Gene: ZNF335 (zinc finger protein 335; minus strand). Cytogenetic location: 20q13.12.
Variant type: single nucleotide variant.
Coding change: c.467A>G on transcript NM_022095.4 (MANE Select); coding-DNA position 467, A replaced by G.
Protein change: p.Glu156Gly; replaces glutamic acid 156 with glycine.
Molecular consequence: missense variant.
Genome position (GRCh38, 1-based): chr20:45,968,338, T>C on the plus strand (A>G on the coding strand, the complement: ZNF335 is on the minus strand). VCF-style: chr20-45968338-T-C. GRCh37 (hg19) VCF-style: chr20-44596977-T-C.
Other names: c.467A>G (NM_022095.3); short protein forms E156G.
Identifiers: ClinVar variation 1411817 (VCV001411817.8), dbSNP rs137868834, ClinGen allele CA9886084.
Genomic context (GRCh38, chr20:45,968,338, plus strand): 5'-GTCTTACCATCATCTGGGCCCTGTAGGATCAGGTACCGTGTGGTCTCGGCCCCGCCATCC[T>C]CAGCACTGGTCACAGTGATGCAGTCTGGGCAGAGATGGGGAAGGGTCACACCTCCTGGGG-3'
Protein context (NP_071378.1, residues 146-166): IQNCITVTSA[Glu156Gly]DGGAETTRYL